The following is an entry in ClinVar:

NM_032273.4(TMEM126A):c.482T>C (p.Phe161Ser)

Gene: TMEM126A (transmembrane protein 126A; plus strand). Cytogenetic location: 11q14.1.
Variant type: single nucleotide variant.
Coding change: c.482T>C on transcript NM_032273.4 (MANE Select); coding-DNA position 482, T replaced by C.
Protein change: p.Phe161Ser; replaces phenylalanine 161 with serine.
Molecular consequence: missense variant.
Genome position (GRCh38, 1-based): chr11:85,656,395, T>C. VCF-style: chr11-85656395-T-C. GRCh37 (hg19) VCF-style: chr11-85367439-T-C.
Other names: c.272T>C, p.Phe91Ser (NM_001244735.2); short protein forms F161S, F91S.
Identifiers: ClinVar variation 942209 (VCV000942209.11), dbSNP rs1591466465, ClinGen allele CA381997605.

ClinVar aggregate classification (germline): Uncertain significance. Review status: criteria provided, multiple submitters, no conflicts (2 of 4 stars). 2 submissions from 2 submitters: Uncertain significance (2). Last evaluated 2021-12-27.

Allele frequency attached by ClinVar (database versions not stated): gnomAD exomes 0.00001; gnomAD 0.00003 and 0.00001; 1000 Genomes Project 30x 0.00031.

Submissions (2):

Labcorp Genetics (formerly Invitae), Labcorp
Classification: Uncertain significance. Last evaluated: 2021-12-27. Review status: criteria provided, single submitter. Criteria: Invitae Variant Classification Sherloc (09022015). Collection method: clinical testing. Allele origin: germline.
Comment: This sequence change replaces phenylalanine, which is neutral and non-polar, with serine, which is neutral and polar, at codon 161 of the TMEM126A protein (p.Phe161Ser). This variant is not present in population databases (gnomAD no frequency). This variant has not been reported in the literature in individuals affected with TMEM126A-related conditions. ClinVar contains an entry for this variant (Variation ID: 942209). Algorithms developed to predict the effect of missense changes on protein structure and function are either unavailable or do not agree on the potential impact of this missense change (SIFT: "Tolerated"; PolyPhen-2: "Possibly Damaging"; Align-GVGD: "Class C0"). In summary, the available evidence is currently insufficient to determine the role of this variant in disease. Therefore, it has been classified as a Variant of Uncertain Significance.

Blueprint Genetics
Classification: Uncertain significance. Last evaluated: 2019-10-29. Review status: criteria provided, single submitter. Criteria: ACMG Guidelines, 2015. Collection method: clinical testing. Allele origin: germline.